The following is an entry in ClinVar:

ClinVar aggregate classification (germline): Likely benign (1 of 4 stars; one submission).

Allele frequency attached by ClinVar (database versions not stated): gnomAD exomes 0.00001; ExAC 0.00002; TOPMed 0.00002.
gnomAD v4.1: 3 of 1,606,086 alleles (0.00019%); highest among the groups gnomAD compares: Admixed American, 0.0034%; no homozygotes.

Submission:

Women's Health and Genetics/Laboratory Corporation of America, LabCorp
Classification: Likely benign. Last evaluated: 2024-04-04. Review status: criteria provided, single submitter. Criteria: LabCorp Variant Classification Summary - May 2015. Collection method: clinical testing. Allele origin: germline.
Comment: Variant summary: CHD1 c.629A>G (p.Lys210Arg) results in a conservative amino acid change in the encoded protein sequence. Four of five in-silico tools predict a benign effect of the variant on protein function. The variant allele was found at a frequency of 1.2e-05 in 241560 control chromosomes. The available data on variant occurrences in the general population are insufficient to allow any conclusion about variant significance. To our knowledge, no occurrence of c.629A>G in individuals affected with Pilarowski-Bjornsson Syndrome and no experimental evidence demonstrating its impact on protein function have been reported. No submitters have cited clinical-significance assessments for this variant to ClinVar. Based on the evidence outlined above, the variant was classified as likely benign.

NM_001270.4(CHD1):c.629A>G (p.Lys210Arg)

Gene: CHD1 (chromodomain helicase DNA binding protein 1; minus strand). Cytogenetic location: 5q21.1.
Variant type: single nucleotide variant.
Coding change: c.629A>G on transcript NM_001270.4 (MANE Select); coding-DNA position 629, A replaced by G.
Protein change: p.Lys210Arg; replaces lysine 210 with arginine.
Molecular consequence: missense variant. On other transcripts: non-coding transcript variant (2).
Genome position (GRCh38, 1-based): chr5:98,901,041, T>C on the plus strand (A>G on the coding strand, the complement: CHD1 is on the minus strand). VCF-style: chr5-98901041-T-C. GRCh37 (hg19) VCF-style: chr5-98236745-T-C.
Other names: c.629A>G, p.Lys210Arg (NM_001364113.3, NM_001376194.2); short protein forms K210R.
Identifiers: ClinVar variation 3251543 (VCV003251543.1), dbSNP rs753684905.